The following is an entry in ClinVar:

ClinVar aggregate classification (germline): Benign/Likely benign. Review status: criteria provided, multiple submitters, no conflicts (2 of 4 stars). 3 submissions from 3 submitters: Benign (2); Likely benign (1). Last evaluated 2025-12-09.

Conditions:
Inborn genetic diseases. Identifiers: MedGen C0950123, MeSH D030342.
Infantile-onset X-linked spinal muscular atrophy. Also called: Spinal muscular atrophy, X-linked 2; AMC, DISTAL, X-LINKED; ARTHROGRYPOSIS, X-LINKED, TYPE I; SPINAL MUSCULAR ATROPHY, X-LINKED LETHAL INFANTILE; Spinal Muscular Atrophy, X-Linked Infantile. Identifiers: Orphanet 1145, MedGen C1844934, MONDO:0010532, OMIM 301830.

Allele frequency attached by ClinVar (database versions not stated): ExAC 0.00002; gnomAD exomes 0.00003 and 0.00008; gnomAD 0.00005; ESP Exome Variant Server 0.00009; TOPMed 0.00012.
gnomAD v4.1: 90 of 1,207,885 alleles (0.0075%); highest among the groups gnomAD compares: Non-Finnish European, 0.0094%; no homozygotes.

Submissions (3):

Labcorp Genetics (formerly Invitae), Labcorp
Classification: Benign for Infantile-onset X-linked spinal muscular atrophy. Last evaluated: 2025-12-09. Review status: criteria provided, single submitter. Criteria: Invitae Variant Classification Sherloc (09022015). Collection method: clinical testing. Allele origin: germline.

Ambry Genetics
Classification: Likely benign for Inborn genetic diseases. Last evaluated: 2019-07-11. Review status: criteria provided, single submitter. Criteria: Ambry Variant Classification Scheme 2023. Collection method: clinical testing. Allele origin: germline.

Illumina Laboratory Services, Illumina
Classification: Benign for Infantile-onset X-linked spinal muscular atrophy. Last evaluated: 2018-01-12. Review status: criteria provided, single submitter. Criteria: ICSL Variant Classification Criteria 13 December 2019. Collection method: clinical testing. Allele origin: germline.
Comment: This variant was observed in the ICSL laboratory as part of a predisposition screen in an ostensibly healthy population. It had not been previously curated by ICSL or reported in the Human Gene Mutation Database (HGMD: prior to June 1st, 2018), and was therefore a candidate for classification through an automated scoring system. Utilizing variant allele frequency, disease prevalence and penetrance estimates, and inheritance mode, an automated score was calculated to assess if this variant is too frequent to cause the disease. Based on the score and internal cut-off values, a variant classified as benign is not then subjected to further curation. The score for this variant resulted in a classification of benign for this disease.

NM_003334.4(UBA1):c.1543C>A (p.Arg515=)

Gene: UBA1 (ubiquitin like modifier activating enzyme 1; plus strand). Cytogenetic location: Xp11.3.
Variant type: single nucleotide variant.
Coding change: c.1543C>A on transcript NM_003334.4 (MANE Select); coding-DNA position 1543, C replaced by A.
Protein change: p.Arg515=; no amino-acid change (arginine 515 retained).
Molecular consequence: synonymous variant.
Genome position (GRCh38, 1-based): chrX:47,203,664, C>A. VCF-style: chrX-47203664-C-A. GRCh37 (hg19) VCF-style: chrX-47063063-C-A.
Other names: c.1543C>A, p.Arg515= (NM_153280.3).
Identifiers: ClinVar variation 368338 (VCV000368338.15), dbSNP rs150198324, ClinGen allele CA10395929.